The following is an entry in ClinVar:

NM_005546.4(ITK):c.674A>G (p.Tyr225Cys)

Gene: ITK (IL2 inducible T cell kinase; plus strand). Cytogenetic location: 5q33.3.
Variant type: single nucleotide variant.
Coding change: c.674A>G on transcript NM_005546.4 (MANE Select); coding-DNA position 674, A replaced by G.
Protein change: p.Tyr225Cys; replaces tyrosine 225 with cysteine.
Molecular consequence: missense variant.
Genome position (GRCh38, 1-based): chr5:157,228,322, A>G. VCF-style: chr5-157228322-A-G. GRCh37 (hg19) VCF-style: chr5-156655332-A-G.
Other names: short protein forms Y225C.
Identifiers: ClinVar variation 642717 (VCV000642717.5), dbSNP rs201567966, ClinGen allele CA130145423.
Genomic context (GRCh38, chr5:157,228,322, plus strand): 5'-ATGTAAGTCTAAACATTAATTTTCCTTTTAACAGGCATGAAGGATATGTACCAAGCAGTT[A>G]TCTGGTGGAAAAATCTCCAAATAATCTGGAAACCTATGAGTAAGATATTTTATTTGTTTT-3'
Protein context (NP_005537.3, residues 215-235): NGHEGYVPSS[Tyr225Cys]LVEKSPNNLE

ClinVar aggregate classification (germline): Uncertain significance (1 of 4 stars; one submission).

Conditions:
Lymphoproliferative syndrome 1 (LPFS1). Identifiers: Orphanet 238505, Orphanet 538963, MedGen C3552634, MONDO:0013081, OMIM 613011.

Allele frequency attached by ClinVar (database versions not stated): gnomAD exomes below 0.00001; gnomAD 0.00001.
gnomAD v4.1: 13 of 1,606,500 alleles (0.00081%); highest among the groups gnomAD compares: Admixed American, 0.0017%; no homozygotes.

Submission:

Labcorp Genetics (formerly Invitae), Labcorp
Classification: Uncertain significance for Lymphoproliferative syndrome 1. Last evaluated: 2024-04-04. Review status: criteria provided, single submitter. Criteria: Invitae Variant Classification Sherloc (09022015). Collection method: clinical testing. Allele origin: germline.
Comment: This sequence change replaces tyrosine, which is neutral and polar, with cysteine, which is neutral and slightly polar, at codon 225 of the ITK protein (p.Tyr225Cys). This variant is present in population databases (rs201567966, gnomAD 0.01%). This variant has not been reported in the literature in individuals affected with ITK-related conditions. ClinVar contains an entry for this variant (Variation ID: 642717). Advanced modeling of protein sequence and biophysical properties (such as structural, functional, and spatial information, amino acid conservation, physicochemical variation, residue mobility, and thermodynamic stability) performed at Invitae indicates that this missense variant is expected to disrupt ITK protein function with a positive predictive value of 80%. In summary, the available evidence is currently insufficient to determine the role of this variant in disease. Therefore, it has been classified as a Variant of Uncertain Significance.